The following is an entry in ClinVar:

NM_000834.5(GRIN2B):c.1451G>T (p.Gly484Val)

Gene: GRIN2B (glutamate ionotropic receptor NMDA type subunit 2B; minus strand). Cytogenetic location: 12p13.1.
Variant type: single nucleotide variant.
Coding change: c.1451G>T on transcript NM_000834.5 (MANE Select); coding-DNA position 1451, G replaced by T.
Protein change: p.Gly484Val; replaces glycine 484 with valine.
Molecular consequence: missense variant.
Genome position (GRCh38, 1-based): chr12:13,615,542, C>A on the plus strand (G>T on the coding strand, the complement: GRIN2B is on the minus strand). VCF-style: chr12-13615542-C-A. GRCh37 (hg19) VCF-style: chr12-13768476-C-A.
Other names: p.Gly484Val; c.1451G>T, p.Gly484Val (NM_001413992.1); short protein forms G484V.
Identifiers: ClinVar variation 4871899 (VCV004871899.1).
Genomic context (GRCh38, chr12:13,615,542, plus strand): 5'-TGGACACTCACCTCTCCAATCATACCATTCCAGGTTCCATTGATTTTCTTCCCATGCTTG[C>A]CATTGGTAACCAGGTAAAGGTCATAGGTGAACTTCACAGATTTAGAAATTTTCTTAAGGA-3'
Protein context (NP_000825.2, residues 474-494): FTYDLYLVTN[Gly484Val]KHGKKINGTW

ClinVar aggregate classification (germline): Uncertain significance (1 of 4 stars; one submission).

Conditions:
Intellectual developmental disorder, autosomal dominant 6, with or without seizures. Also called: Intellectual disability, autosomal dominant 6; GRIN2B-related developmental delay, intellectual disability and autism spectrum disorder. Identifiers: Orphanet 589547, MedGen C3151411, MONDO:0013509, OMIM 613970.

Submission:

Centre for Mendelian Genomics, University Medical Centre Ljubljana
Classification: Uncertain significance for Intellectual developmental disorder, autosomal dominant 6, with or without seizures. Last evaluated: 2026-07-22. Review status: criteria provided, single submitter. Criteria: ACMG Guidelines, 2015. Collection method: clinical testing. Allele origin: germline. Affected: yes. Observed: 1 variant allele.
Comment: The variant has not previously been reported as pathogenic. The variant is absent from control populations in gnomAD [PM2]. This is a missense variant in a gene with a low rate of benign missense variation, in which missense variants are a common mechanism of disease [PP2]. In silico pathogenicity prediction algorithms uniformly predict the variant as pathogenic [PP3]. The available evidence in the biomedical literature and databases is currently insufficient to assert whether the identified variant is pathogenic or a benign polymorphism. We therefore classify it as a variant of uncertain significance.